The following is an entry in ClinVar:

ClinVar aggregate classification (germline): Uncertain significance. Review status: criteria provided, single submitter (1 of 4 stars). 2 submissions from 2 submitters: Uncertain significance (1). 1 of the submissions does not count toward it. Last evaluated 2022-09-06.

Conditions:
Bloom syndrome (BLM). Also called: Bloom-Torre-Machacek syndrome. Identifiers: Orphanet 125, MedGen C0005859, MONDO:0008876, OMIM 210900.

Allele frequency attached by ClinVar (database versions not stated): gnomAD exomes below 0.00001; ExAC 0.00001; gnomAD 0.00001; 1000 Genomes Project 30x 0.00016; 1000 Genomes Project 0.00020.
gnomAD v4.1: 3 of 1,612,844 alleles (0.00019%); highest among the groups gnomAD compares: East Asian, 0.0045%; no homozygotes.

Submissions (2):

Labcorp Genetics (formerly Invitae), Labcorp
Classification: Uncertain significance for Bloom syndrome. Last evaluated: 2022-09-06. Review status: criteria provided, single submitter. Criteria: Invitae Variant Classification Sherloc (09022015). Collection method: clinical testing. Allele origin: germline.
Comment: This sequence change replaces valine, which is neutral and non-polar, with isoleucine, which is neutral and non-polar, at codon 1187 of the BLM protein (p.Val1187Ile). This variant is present in population databases (rs547814390, gnomAD 0.01%). This variant has not been reported in the literature in individuals affected with BLM-related conditions. ClinVar contains an entry for this variant (Variation ID: 953627). Algorithms developed to predict the effect of missense changes on protein structure and function are either unavailable or do not agree on the potential impact of this missense change (SIFT: "Tolerated"; PolyPhen-2: "Probably Damaging"; Align-GVGD: "Class C0"). Algorithms developed to predict the effect of sequence changes on RNA splicing suggest that this variant may disrupt the consensus splice site. In summary, the available evidence is currently insufficient to determine the role of this variant in disease. Therefore, it has been classified as a Variant of Uncertain Significance.

Natera, Inc.
Classification: Uncertain significance for Bloom syndrome. Last evaluated: 2018-05-25. Review status: no assertion criteria provided. Collection method: clinical testing. Allele origin: germline. Not counted in ClinVar's aggregate classification.

NM_000057.4(BLM):c.3559G>A (p.Val1187Ile)

Gene: BLM (BLM RecQ like helicase; plus strand). Cytogenetic location: 15q26.1.
Variant type: single nucleotide variant.
Coding change: c.3559G>A on transcript NM_000057.4 (MANE Select); coding-DNA position 3559, G replaced by A.
Protein change: p.Val1187Ile; replaces valine 1187 with isoleucine.
Molecular consequence: missense variant. On other transcripts: intron variant (1).
Genome position (GRCh38, 1-based): chr15:90,804,167, G>A. VCF-style: chr15-90804167-G-A. GRCh37 (hg19) VCF-style: chr15-91347397-G-A.
Other names: c.3559G>A, p.Val1187Ile (NM_001287246.2); c.2434G>A, p.Val812Ile (NM_001287248.2); c.3359-4970G>A (NM_001287247.2); short protein forms V812I, V1187I.
Identifiers: ClinVar variation 953627 (VCV000953627.7), dbSNP rs547814390, ClinGen allele CA7739080.